The following is an entry in ClinVar:

NM_012081.6(ELL2):c.317+2020G>C

Gene: ELL2 (elongation factor for RNA polymerase II 2; minus strand). Cytogenetic location: 5q15.
Variant type: single nucleotide variant.
Coding change: c.317+2020G>C on transcript NM_012081.6 (MANE Select); 2020 bases into the intron after coding-DNA position 317, G replaced by C.
Molecular consequence: intron variant.
Genome position (GRCh38, 1-based): chr5:95,917,404, C>G on the plus strand (G>C on the coding strand, the complement: ELL2 is on the minus strand). VCF-style: chr5-95917404-C-G. GRCh37 (hg19) VCF-style: chr5-95253108-C-G.
Identifiers: ClinVar variation 1257675 (VCV001257675.2), dbSNP rs3777189, ClinGen allele CA15364080.

ClinVar aggregate classification (germline): Benign (1 of 4 stars; one submission).

Allele frequency attached by ClinVar (database versions not stated): gnomAD 0.33819 and 0.33834; TOPMed 0.34324; 1000 Genomes Project 30x 0.38991.
gnomAD v4.1: 51,263 of 152,012 alleles (34%); highest among the groups gnomAD compares: African/African-American, 51%; 9,562 homozygotes.

Submission:

GeneDx
Classification: Benign. Last evaluated: 2018-07-13. Review status: criteria provided, single submitter. Criteria: GeneDx Variant Classification Process June 2021. Collection method: clinical testing. Allele origin: germline. Affected: yes.
Comment: This variant is associated with the following publications: (PMID: 29695719)